The following is an entry in ClinVar:

NM_000390.4(CHM):c.668A>G (p.Glu223Gly)

Gene: CHM (CHM Rab escort protein; minus strand). Cytogenetic location: Xq21.2.
Variant type: single nucleotide variant.
Coding change: c.668A>G on transcript NM_000390.4 (MANE Select); coding-DNA position 668, A replaced by G.
Protein change: p.Glu223Gly; replaces glutamic acid 223 with glycine.
Molecular consequence: missense variant.
Genome position (GRCh38, 1-based): chrX:85,963,699, T>C on the plus strand (A>G on the coding strand, the complement: CHM is on the minus strand). VCF-style: chrX-85963699-T-C. GRCh37 (hg19) VCF-style: chrX-85218704-T-C.
Other names: c.224A>G, p.Glu75Gly (NM_001320959.1, NM_001362517.1, NM_001362518.2 and 1 more transcripts); short protein forms E223G, E75G.
Identifiers: ClinVar variation 4696405 (VCV004696405.1).
Genomic context (GRCh38, chrX:85,963,699, plus strand): 5'-CAAAGATGGGTAAAATTAGTACTTACCTTTGATACTAAATCAATATTAAATCTCCTGCCT[T>C]CTTTAATAATTTGTGAGTAAGTAATTCTGTTTTTCTTTGGTTGCTCTGTGGTATCTTCTG-3'
Protein context (NP_000381.1, residues 213-233): NRITYSQIIK[Glu223Gly]GRRFNIDLVS

ClinVar aggregate classification (germline): Uncertain significance (1 of 4 stars; one submission).

gnomAD v4.1: 6 of 1,198,494 alleles (0.0005%); highest among the groups gnomAD compares: Non-Finnish European, 0.00068%; no homozygotes.

Submission:

Labcorp Genetics (formerly Invitae), Labcorp
Classification: Uncertain significance. Last evaluated: 2025-02-03. Review status: criteria provided, single submitter. Criteria: Invitae Variant Classification Sherloc (09022015). Collection method: clinical testing. Allele origin: germline.
Comment: This sequence change replaces glutamic acid, which is acidic and polar, with glycine, which is neutral and non-polar, at codon 223 of the CHM protein (p.Glu223Gly). This variant is present in population databases (no rsID available, gnomAD 0.001%), including at least one homozygous and/or hemizygous individual. This variant has not been reported in the literature in individuals affected with CHM-related conditions. Invitae Evidence Modeling of protein sequence and biophysical properties (such as structural, functional, and spatial information, amino acid conservation, physicochemical variation, residue mobility, and thermodynamic stability) indicates that this missense variant is not expected to disrupt CHM protein function with a negative predictive value of 80%. In summary, the available evidence is currently insufficient to determine the role of this variant in disease. Therefore, it has been classified as a Variant of Uncertain Significance.